The following is an entry in ClinVar:

ClinVar aggregate classification (germline): Uncertain significance (1 of 4 stars; one submission).

Conditions:
Fanconi anemia complementation group J. Also called: BRIP1-Related Fanconi Anemia. Identifiers: Orphanet 84, MedGen C1836860, MONDO:0012187, OMIM 609054.
Familial cancer of breast. Also called: Hereditary breast cancer; hereditary breast carcinoma; BREAST CANCER, FAMILIAL. Identifiers: Orphanet 227535, MedGen C0346153, MONDO:0016419, OMIM 114480. Disease mechanism: loss of function.

Submission:

Labcorp Genetics (formerly Invitae), Labcorp
Classification: Uncertain significance for Familial cancer of breast; Fanconi anemia complementation group J. Last evaluated: 2026-01-07. Review status: criteria provided, single submitter. Criteria: Invitae Variant Classification Sherloc (09022015). Collection method: clinical testing. Allele origin: germline.
Comment: This sequence change replaces leucine, which is neutral and non-polar, with valine, which is neutral and non-polar, at codon 958 of the BRIP1 protein (p.Leu958Val). This variant is not present in population databases (gnomAD no frequency). This variant has not been reported in the literature in individuals affected with BRIP1-related conditions. Invitae Evidence Modeling of protein sequence and biophysical properties (such as structural, functional, and spatial information, amino acid conservation, physicochemical variation, residue mobility, and thermodynamic stability) indicates that this missense variant is not expected to disrupt BRIP1 protein function with a negative predictive value of 95%. In summary, the available evidence is currently insufficient to determine the role of this variant in disease. Therefore, it has been classified as a Variant of Uncertain Significance.

NM_032043.3(BRIP1):c.2872C>G (p.Leu958Val)

Gene: BRIP1 (BRCA1 interacting DNA helicase 1; minus strand). Cytogenetic location: 17q23.2.
Variant type: single nucleotide variant.
Coding change: c.2872C>G on transcript NM_032043.3 (MANE Select); coding-DNA position 2872, C replaced by G.
Protein change: p.Leu958Val; replaces leucine 958 with valine.
Molecular consequence: missense variant.
Genome position (GRCh38, 1-based): chr17:61,685,869, G>C on the plus strand (C>G on the coding strand, the complement: BRIP1 is on the minus strand). VCF-style: chr17-61685869-G-C. GRCh37 (hg19) VCF-style: chr17-59763230-G-C.
Other names: short protein forms L958V.
Identifiers: ClinVar variation 4783573 (VCV004783573.1).